The following is an entry in ClinVar:

ClinVar aggregate classification (germline): Likely pathogenic (1 of 4 stars; one submission).

Conditions:
Autosomal recessive nonsyndromic hearing loss 77. Identifiers: Orphanet 90636, MedGen C2746083, MONDO:0013119, OMIM 613079.

Submission:

Myriad Genetics, Inc.
Classification: Likely pathogenic for Autosomal recessive nonsyndromic hearing loss 77. Last evaluated: 2022-01-02. Review status: criteria provided, single submitter. Criteria: Myriad Women's Health Autosomal Recessive and X-Linked Classification Criteria (2021). Collection method: clinical testing. Allele origin: unknown.
Comment: NM_144612.6(LOXHD1):c.963T>A(Y321*) is expected to be pathogenic in the context of LOXHD1-related DFNB77 hearing loss and deafness. This variant is predicted to lead to an abnormal or absent protein product due to the creation of a premature termination codon in LOXHD1, a gene where loss-of-function variants are known to be pathogenic. Please note: this variant was assessed in the context of healthy population screening.

NM_001384474.1(LOXHD1):c.963T>A (p.Tyr321Ter)

Gene: LOXHD1 (lipoxygenase homology PLAT domains 1; minus strand). Cytogenetic location: 18q21.1.
Variant type: single nucleotide variant.
Coding change: c.963T>A on transcript NM_001384474.1 (MANE Select); coding-DNA position 963, T replaced by A.
Protein change: p.Tyr321Ter; replaces tyrosine 321 with a stop codon.
Molecular consequence: nonsense.
Genome position (GRCh38, 1-based): chr18:46,601,388, A>T on the plus strand (T>A on the coding strand, the complement: LOXHD1 is on the minus strand). VCF-style: chr18-46601388-A-T. GRCh37 (hg19) VCF-style: chr18-44181351-A-T.
Other names: c.963T>A, p.Tyr321Ter (NM_144612.7); short protein forms Y321*.
Identifiers: ClinVar variation 1726821 (VCV001726821.2), dbSNP rs1317610566, ClinGen allele CA402381865.